The following is an entry in ClinVar:

ClinVar aggregate classification (germline): Uncertain significance (1 of 4 stars; one submission).

Conditions:
PLXNA4-related disorder. Also called: PLXNA4-related condition.

Allele frequency attached by ClinVar (database versions not stated): gnomAD 0.00003; gnomAD exomes 0.00003; ExAC 0.00004.
gnomAD v4.1: 42 of 1,614,112 alleles (0.0026%); highest among the groups gnomAD compares: Admixed American, 0.0083%; no homozygotes.

Submission:

PreventionGenetics, part of Exact Sciences
Classification: Uncertain significance for PLXNA4-related condition. Last evaluated: 2025-04-30. Review status: criteria provided, single submitter. Criteria: ACMG Guidelines, 2015. Collection method: clinical testing. Allele origin: germline.
Comment: The PLXNA4 c.2663G>A variant is predicted to result in the amino acid substitution p.Arg888His. To our knowledge, this variant has not been reported in the literature. This variant is reported in 0.012% of alleles in individuals of Latino descent in gnomAD. At this time, the clinical significance of this variant is uncertain due to the absence of conclusive functional and genetic evidence.

NM_020911.2(PLXNA4):c.2663G>A (p.Arg888His)

Gene: PLXNA4 (plexin A4; minus strand). Cytogenetic location: 7q32.3.
Variant type: single nucleotide variant.
Coding change: c.2663G>A on transcript NM_020911.2 (MANE Select); coding-DNA position 2663, G replaced by A.
Protein change: p.Arg888His; replaces arginine 888 with histidine.
Molecular consequence: missense variant.
Genome position (GRCh38, 1-based): chr7:132,198,560, C>T on the plus strand (G>A on the coding strand, the complement: PLXNA4 is on the minus strand). VCF-style: chr7-132198560-C-T. GRCh37 (hg19) VCF-style: chr7-131883319-C-T.
Other names: c.2663G>A, p.Arg888His (NM_001393897.1); short protein forms R888H.
Identifiers: ClinVar variation 2635677 (VCV002635677.2), dbSNP rs751969293, ClinGen allele CA4489743.